The following is an entry in ClinVar:

NM_000384.3(APOB):c.4499C>T (p.Thr1500Ile)

Gene: APOB (apolipoprotein B; minus strand). Cytogenetic location: 2p24.1.
Variant type: single nucleotide variant.
Coding change: c.4499C>T on transcript NM_000384.3 (MANE Select); coding-DNA position 4499, C replaced by T.
Protein change: p.Thr1500Ile; replaces threonine 1500 with isoleucine.
Molecular consequence: missense variant.
Genome position (GRCh38, 1-based): chr2:21,012,369, G>A on the plus strand (C>T on the coding strand, the complement: APOB is on the minus strand). VCF-style: chr2-21012369-G-A. GRCh37 (hg19) VCF-style: chr2-21235241-G-A.
Other names: short protein forms T1500I.
Identifiers: ClinVar variation 1741008 (VCV001741008.2), dbSNP rs2465378372, ClinGen allele CA346006750.

ClinVar aggregate classification (germline): Uncertain significance (1 of 4 stars; one submission).

Conditions:
Cardiovascular phenotype. Identifiers: MedGen CN230736.

Submission:

Ambry Genetics
Classification: Uncertain significance for Cardiovascular phenotype. Last evaluated: 2017-12-18. Review status: criteria provided, single submitter. Criteria: Ambry Variant Classification Scheme 2023. Collection method: clinical testing. Allele origin: germline.
Comment: The p.T1500I variant (also known as c.4499C>T), located in coding exon 26 of the APOB gene, results from a C to T substitution at nucleotide position 4499. The threonine at codon 1500 is replaced by isoleucine, an amino acid with similar properties. This amino acid position is poorly conserved in available vertebrate species, and isoleucine is the reference amino acid in other vertebrate species. In addition, this alteration is predicted to be tolerated by in silico analysis. Since supporting evidence is limited at this time, the clinical significance of this alteration remains unclear.